The following is an entry in ClinVar:

ClinVar aggregate classification (germline): Uncertain significance (1 of 4 stars; one submission).

Submission:

Laboratory for Molecular Medicine, Mass General Brigham Personalized Medicine
Classification: Uncertain significance. Last evaluated: 2014-03-14. Review status: criteria provided, single submitter. Criteria: LMM Criteria. Collection method: clinical testing. Allele origin: germline. Observed: 1 variant allele.
Comment: The Asp22Val variant in NEBL has not been previously reported in individuals wit h cardiomyopathy or in large population studies. Computational prediction tools and conservation analysis do not provide strong support for or against an impact to the protein. Additional studies are needed to fully assess the clinical sign ificance of this variant.

NM_213569.2(NEBL):c.65A>T (p.Asp22Val)

Gene: NEBL (nebulette; minus strand). Cytogenetic location: 10p12.31.
Variant type: single nucleotide variant.
Coding change: c.65A>T on transcript NM_213569.2; coding-DNA position 65, A replaced by T.
Protein change: p.Asp22Val; replaces aspartic acid 22 with valine.
Molecular consequence: missense variant. On other transcripts: 5 prime UTR variant (1), intron variant (3).
Genome position (GRCh38, 1-based): chr10:21,173,769, T>A on the plus strand (A>T on the coding strand, the complement: NEBL is on the minus strand). VCF-style: chr10-21173769-T-A. GRCh37 (hg19) VCF-style: chr10-21462698-T-A.
Other names: c.65A>T, p.Asp22Val (NM_001173484.2, NM_001377322.1); c.-94A>T (NM_001377324.1); c.-39-1292A>T (NM_001377326.1, NM_001377327.1); c.-40+1071A>T (NM_001377328.1); short protein forms D22V.
Identifiers: ClinVar variation 164779 (VCV000164779.6), dbSNP rs727503341, ClinGen allele CA177481.